The following is an entry in ClinVar:

ClinVar aggregate classification (germline): Pathogenic (1 of 4 stars; one submission).

Submission:

Labcorp Genetics (formerly Invitae), Labcorp
Classification: Pathogenic. Last evaluated: 2025-02-27. Review status: criteria provided, single submitter. Criteria: Invitae Variant Classification Sherloc (09022015). Collection method: clinical testing. Allele origin: germline.
Comment: This sequence change creates a premature translational stop signal (p.Thr319Asnfs*13) in the ADAMTSL4 gene. It is expected to result in an absent or disrupted protein product. Loss-of-function variants in ADAMTSL4 are known to be pathogenic (PMID: 20564469, 28642162). This variant is present in population databases (rs781143413, gnomAD 0.007%). This variant has not been reported in the literature in individuals affected with ADAMTSL4-related conditions. For these reasons, this variant has been classified as Pathogenic.

Literature cited by the submitters: PubMed 20564469; PubMed 28642162.

NM_019032.6(ADAMTSL4):c.953dup (p.Thr319fs)

Genes: ADAMTSL4 (ADAMTS like 4; plus strand), ADAMTSL4-AS2 (ADAMTSL4 antisense RNA 2; minus strand). Cytogenetic location: 1q21.2.
Variant type: Duplication.
Coding change: c.953dup on transcript NM_019032.6 (MANE Select); coding-DNA position 953, one base duplicated (G; older notation c.953dupG).
Protein change: p.Thr319fs; shifts the reading frame from threonine 319.
Molecular consequence: frameshift variant.
Genome position (GRCh38, 1-based): chr1:150,553,944, G duplicated; the last of 4 consecutive G bases (chr1:150,553,941-150,553,944); duplicating any one gives the same sequence. VCF-style (leftmost placement, unchanged base first): chr1-150553940-T-TG. GRCh37 (hg19) VCF-style: chr1-150526416-T-TG.
Other names: c.953dup, p.Thr319fs (NM_001288607.2, NM_001288608.2, NM_001378596.1 and 1 more transcripts); short protein forms T319fs.
Identifiers: ClinVar variation 3696247 (VCV003696247.2).
Genomic context (GRCh38, chr1:150,553,940, plus strand): 5'-AGACGCCCTGATCCTTTTCCTTCGGTCCCTCGGGGCCGAGGCCAGCAGGGCCAAGGGCCT[T>TG]GGGGAACGGGGGGGACTCCTCACGGGCCCCGCCTGGAGCCTGACCCTCAGCACCCGGGCG-3'